The following is an entry in ClinVar:

NM_001018111.3(PODXL):c.392C>T (p.Thr131Ile)

Gene: PODXL (podocalyxin like; minus strand). Cytogenetic location: 7q32.3.
Variant type: single nucleotide variant.
Coding change: c.392C>T on transcript NM_001018111.3 (MANE Select); coding-DNA position 392, C replaced by T.
Protein change: p.Thr131Ile; replaces threonine 131 with isoleucine.
Molecular consequence: missense variant.
Genome position (GRCh38, 1-based): chr7:131,511,142, G>A on the plus strand (C>T on the coding strand, the complement: PODXL is on the minus strand). VCF-style: chr7-131511142-G-A. GRCh37 (hg19) VCF-style: chr7-131195901-G-A.
Other names: c.392C>T, p.Thr131Ile (NM_005397.4); short protein forms T131I.
Identifiers: ClinVar variation 2955908 (VCV002955908.3), dbSNP rs764047432, ClinGen allele CA4488714.

ClinVar aggregate classification (germline): Uncertain significance (1 of 4 stars; one submission).

Allele frequency attached by ClinVar (database versions not stated): ExAC 0.00001.
gnomAD v4.1: 8 of 1,613,920 alleles (0.0005%); highest among the groups gnomAD compares: South Asian, 0.0066%; no homozygotes.

Submission:

Labcorp Genetics (formerly Invitae), Labcorp
Classification: Uncertain significance. Last evaluated: 2023-01-11. Review status: criteria provided, single submitter. Criteria: Invitae Variant Classification Sherloc (09022015). Collection method: clinical testing. Allele origin: germline.
Comment: In summary, the available evidence is currently insufficient to determine the role of this variant in disease. Therefore, it has been classified as a Variant of Uncertain Significance. Algorithms developed to predict the effect of missense changes on protein structure and function (SIFT, PolyPhen-2, Align-GVGD) all suggest that this variant is likely to be tolerated. This variant has not been reported in the literature in individuals affected with PODXL-related conditions. This variant is present in population databases (rs764047432, gnomAD 0.003%). This sequence change replaces threonine, which is neutral and polar, with isoleucine, which is neutral and non-polar, at codon 131 of the PODXL protein (p.Thr131Ile).